The following is an entry in ClinVar:

NM_014550.4(CARD10):c.1866G>A (p.Ser622=)

Gene: CARD10 (caspase recruitment domain family member 10; minus strand). Cytogenetic location: 22q13.1.
Variant type: single nucleotide variant.
Coding change: c.1866G>A on transcript NM_014550.4 (MANE Select); coding-DNA position 1866, G replaced by A.
Protein change: p.Ser622=; no amino-acid change (serine 622 retained).
Molecular consequence: synonymous variant.
Genome position (GRCh38, 1-based): chr22:37,497,100, C>T on the plus strand (G>A on the coding strand, the complement: CARD10 is on the minus strand). VCF-style: chr22-37497100-C-T. GRCh37 (hg19) VCF-style: chr22-37893107-C-T.
Identifiers: ClinVar variation 3045174 (VCV003045174.2), dbSNP rs201385412, ClinGen allele CA10219671.
Genomic context (GRCh38, chr22:37,497,100, plus strand): 5'-GGACCCAGGCCCAGACAGCACCCTGCGCACCACAGCCCCAGACCATCTGTCCCCATAAAA[C>T]GACAGTCCATCTGGTCCCTTGTCCTGCGGCTCTGGGCCCCCTGGGGGGCTCCGGCCAGAC-3'
Protein context (NP_055365.2, residues 612-632): EPQDKGPDGL[Ser622=]FYGDRWSGAV

ClinVar aggregate classification (germline): Likely benign (0 of 4 stars; one submission).

Conditions:
CARD10-related disorder. Also called: CARD10-related condition.

Allele frequency attached by ClinVar (database versions not stated): TOPMed 0.00003; ExAC 0.00004; gnomAD exomes 0.00004; gnomAD 0.00005; 1000 Genomes Project 30x 0.00047; 1000 Genomes Project 0.00060.
gnomAD v4.1: 61 of 1,614,256 alleles (0.0038%); highest among the groups gnomAD compares: African/African-American, 0.017%; no homozygotes.

Submission:

PreventionGenetics, part of Exact Sciences
Classification: Likely benign for CARD10-related condition. Last evaluated: 2019-03-06. Review status: no assertion criteria provided. Collection method: clinical testing. Allele origin: germline.
Comment: This variant is classified as likely benign based on ACMG/AMP sequence variant interpretation guidelines (Richards et al. 2015 PMID: 25741868, with internal and published modifications).